The following is an entry in ClinVar:

NM_014795.4(ZEB2):c.3067+2T>C

Gene: ZEB2 (zinc finger E-box binding homeobox 2; minus strand). Cytogenetic location: 2q22.3.
Variant type: single nucleotide variant.
Coding change: c.3067+2T>C on transcript NM_014795.4 (MANE Select); the canonical splice donor site of the intron after coding-DNA position 3067, T replaced by C.
Molecular consequence: splice donor variant.
Genome position (GRCh38, 1-based): chr2:144,396,410, A>G on the plus strand (T>C on the coding strand, the complement: ZEB2 is on the minus strand). VCF-style: chr2-144396410-A-G. GRCh37 (hg19) VCF-style: chr2-145153977-A-G.
Other names: c.2995+2T>C (NM_001171653.2).
Identifiers: ClinVar variation 3663802 (VCV003663802.2).

ClinVar aggregate classification (germline): Pathogenic (1 of 4 stars; one submission).

Conditions:
Mowat-Wilson syndrome (MOWS). Also called: Classic Mowat-Wilson Syndrome. Identifiers: Orphanet 2152, MedGen C1856113, MONDO:0009341, OMIM 235730.

Submission:

Labcorp Genetics (formerly Invitae), Labcorp
Classification: Pathogenic for Mowat-Wilson syndrome. Last evaluated: 2024-08-28. Review status: criteria provided, single submitter. Criteria: Invitae Variant Classification Sherloc (09022015). Collection method: clinical testing. Allele origin: germline.
Comment: This sequence change affects a donor splice site in intron 9 of the ZEB2 gene. While this variant is not anticipated to result in nonsense mediated decay, it likely alters RNA splicing and results in a disrupted protein product. This variant is not present in population databases (gnomAD no frequency). This variant has not been reported in the literature in individuals affected with ZEB2-related conditions. Variants that disrupt the consensus splice site are a relatively common cause of aberrant splicing (PMID: 17576681, 9536098). Algorithms developed to predict the effect of sequence changes on RNA splicing suggest that this variant may disrupt the consensus splice site. This variant disrupts a region of the ZEB2 protein in which other variant(s) (p.His1045Leu) have been determined to be pathogenic (internal data). This suggests that this is a clinically significant region of the protein, and that variants that disrupt it are likely to be disease-causing. For these reasons, this variant has been classified as Pathogenic.

Literature cited by the submitters: PubMed 17576681; PubMed 9536098.